The following is an entry in ClinVar:

ClinVar aggregate classification (germline): Pathogenic (1 of 4 stars; one submission).

Conditions:
Primary ciliary dyskinesia 3. Identifiers: Orphanet 244, MedGen C1837618, MONDO:0012085, OMIM 608644.

Submission:

Myriad Genetics, Inc.
Classification: Pathogenic for Primary ciliary dyskinesia 3. Last evaluated: 2025-10-13. Review status: criteria provided, single submitter. Criteria: Myriad Autosomal Dominant, Autosomal Recessive and X-Linked Classification Criteria (2023). Collection method: clinical testing. Allele origin: unknown.
Comment: NM_001369.2(DNAH5):c.11362dupA(T3788Nfs*17) is expected to be pathogenic in the context of primary ciliary dyskinesia, DNAH5-related. This variant is predicted to lead to an abnormal or absent protein product due to the creation of a premature termination codon in DNAH5, a gene where loss-of-function variants are known to be pathogenic. Please note: this variant was assessed in the context of healthy population screening.

NM_001369.3(DNAH5):c.11362dup (p.Thr3788fs)

Genes: DNAH5 (dynein axonemal heavy chain 5; minus strand), LOC107457585 (meiotic recombination hotspot J; plus strand). Cytogenetic location: 5p15.2.
Variant type: Duplication.
Coding change: c.11362dup on transcript NM_001369.3 (MANE Select); coding-DNA position 11362, one base duplicated (A; older notation c.11362dupA).
Protein change: p.Thr3788fs; shifts the reading frame from threonine 3788.
Molecular consequence: frameshift variant.
Genome position (GRCh38, 1-based): chr5:13,737,345, T duplicated on the plus strand (A on the coding strand, the reverse complement: DNAH5 is on the minus strand). VCF-style (leftmost placement, unchanged base first): chr5-13737344-G-GT. GRCh37 (hg19) VCF-style: chr5-13737453-G-GT.
Other names: short protein forms T3788fs.
Identifiers: ClinVar variation 5015090 (VCV005015090.1).